The following is an entry in ClinVar:

NM_000138.5(FBN1):c.5756del (p.Gly1919fs)

Gene: FBN1 (fibrillin 1; minus strand). Cytogenetic location: 15q21.1.
Variant type: Deletion.
Coding change: c.5756del on transcript NM_000138.5 (MANE Select); coding-DNA position 5756, one base deleted (G; older notation c.5756delG).
Protein change: p.Gly1919fs; shifts the reading frame from glycine 1919.
Molecular consequence: frameshift variant.
Genome position (GRCh38, 1-based): chr15:48,446,738, C deleted on the plus strand (G on the coding strand, the reverse complement: FBN1 is on the minus strand); the first of 2 consecutive C bases (chr15:48,446,738-48,446,739); deleting either gives the same sequence. VCF-style (leftmost placement, unchanged base first): chr15-48446737-AC-A. GRCh37 (hg19) VCF-style: chr15-48738934-AC-A.
Other names: c.5756delG (NM_000138.4); short protein forms G1919fs.
Identifiers: ClinVar variation 527213 (VCV000527213.1), dbSNP rs1555395825, ClinGen allele CA658798345.

ClinVar aggregate classification (germline): Pathogenic (1 of 4 stars; one submission).

Conditions:
Familial thoracic aortic aneurysm and aortic dissection (TAAD). Also called: Thoracic aortic aneurysms and dissections. Identifiers: Orphanet 91387, MedGen C4707243, MONDO:0019625.
Marfan syndrome (MFS). Also called: Marfan syndrome type 1; Marfan syndrome, classic; Marfan's syndrome; FBN1-Related Marfan Syndrome; MARFAN SYNDROME, TYPE I. Identifiers: Orphanet 284963, Orphanet 558, MedGen C0024796, MONDO:0007947, OMIM 154700.

Submission:

Labcorp Genetics (formerly Invitae), Labcorp
Classification: Pathogenic for Marfan syndrome; Familial thoracic aortic aneurysm and aortic dissection. Last evaluated: 2017-11-27. Review status: criteria provided, single submitter. Criteria: Invitae Variant Classification Sherloc (09022015). Collection method: clinical testing. Allele origin: germline.
Comment: This sequence change creates a premature translational stop signal (p.Gly1919Valfs*11) in the FBN1 gene. It is expected to result in an absent or disrupted protein product. This variant is not present in population databases (ExAC no frequency). This variant has not been reported in the literature in individuals with FBN1-related disease. Loss-of-function variants in FBN1 are known to be pathogenic (PMID: 17657824, 19293843). For these reasons, this variant has been classified as Pathogenic.